The following is an entry in ClinVar:

NM_015047.3(EMC1):c.1488A>G (p.Gln496=)

Genes: EMC1 (ER membrane protein complex subunit 1; minus strand), EMC1-AS1 (EMC1 antisense RNA 1; plus strand). Cytogenetic location: 1p36.13.
Variant type: single nucleotide variant.
Coding change: c.1488A>G on transcript NM_015047.3 (MANE Select); coding-DNA position 1488, A replaced by G.
Protein change: p.Gln496=; no amino-acid change (glutamine 496 retained).
Molecular consequence: synonymous variant.
Genome position (GRCh38, 1-based): chr1:19,233,080, T>C on the plus strand (A>G on the coding strand, the complement: EMC1 is on the minus strand). VCF-style: chr1-19233080-T-C. GRCh37 (hg19) VCF-style: chr1-19559574-T-C.
Other names: c.1485A>G, p.Gln495= (NM_001271427.2, NM_001271428.2); c.1422A>G, p.Gln474= (NM_001271429.2); c.1497A>G, p.Gln499= (NM_001375820.1); c.1494A>G, p.Gln498= (NM_001375821.1).
Identifiers: ClinVar variation 1935494 (VCV001935494.5), dbSNP rs1558101891, ClinGen allele CA416429468.

ClinVar aggregate classification (germline): Uncertain significance (1 of 4 stars; one submission).

Submission:

Labcorp Genetics (formerly Invitae), Labcorp
Classification: Uncertain significance. Last evaluated: 2022-11-01. Review status: criteria provided, single submitter. Criteria: Invitae Variant Classification Sherloc (09022015). Collection method: clinical testing. Allele origin: germline.
Comment: This variant is not present in population databases (gnomAD no frequency). This sequence change affects codon 496 of the EMC1 mRNA. It is a 'silent' change, meaning that it does not change the encoded amino acid sequence of the EMC1 protein. This variant has not been reported in the literature in individuals affected with EMC1-related conditions. Algorithms developed to predict the effect of sequence changes on RNA splicing suggest that this variant may create or strengthen a splice site. In summary, the available evidence is currently insufficient to determine the role of this variant in disease. Therefore, it has been classified as a Variant of Uncertain Significance.